The following is an entry in ClinVar:

ClinVar aggregate classification (germline): Benign/Likely benign. Review status: criteria provided, multiple submitters, no conflicts (2 of 4 stars). 4 submissions from 4 submitters: Benign (2); Likely benign (1). 1 of the submissions does not count toward it. Last evaluated 2026-08-01.

Conditions:
DCPS-related disorder. Also called: DCPS-related condition.

Allele frequency attached by ClinVar (database versions not stated): 1000 Genomes Project 30x 0.00094; 1000 Genomes Project 0.00100; TOPMed 0.00465; ExAC 0.00530; gnomAD exomes 0.00533; ESP Exome Variant Server 0.00600.
gnomAD v4.1: 9,235 of 1,611,994 alleles (0.57%); highest among the groups gnomAD compares: Non-Finnish European, 0.64%; 48 homozygotes.

Submissions (4):

CeGaT Center for Human Genetics Tuebingen
Classification: Likely benign. Last evaluated: 2026-08-01. Review status: criteria provided, single submitter. Criteria: CeGaT Center For Human Genetics Tuebingen Variant Classification Criteria Version 2. Collection method: clinical testing. Allele origin: germline. Affected: yes. Observed: 26 variant alleles.
Comment: DCPS: BS2

Labcorp Genetics (formerly Invitae), Labcorp
Classification: Benign. Last evaluated: 2019-12-31. Review status: criteria provided, single submitter. Criteria: Invitae Variant Classification Sherloc (09022015). Collection method: clinical testing. Allele origin: germline.

Breakthrough Genomics
Classification: Benign. Review status: criteria provided, single submitter. Criteria: ACMG Guidelines, 2015. Collection method: not provided. Allele origin: germline. Inheritance: Autosomal recessive inheritance. Affected: yes.

PreventionGenetics, part of Exact Sciences
Classification: Benign for DCPS-related condition. Last evaluated: 2020-02-07. Review status: no assertion criteria provided. Collection method: clinical testing. Allele origin: germline. Not counted in ClinVar's aggregate classification.
Comment: This variant is classified as benign based on ACMG/AMP sequence variant interpretation guidelines (Richards et al. 2015 PMID: 25741868, with internal and published modifications).

NM_014026.6(DCPS):c.1013G>A (p.Ter338=)

Genes: GSEC (G-quadruplex forming sequence containing lncRNA; minus strand), DCPS (decapping enzyme, scavenger; plus strand). Cytogenetic location: 11q24.2.
Variant type: single nucleotide variant.
Coding change: c.1013G>A on transcript NM_014026.6 (MANE Select); coding-DNA position 1013, G replaced by A.
Protein change: p.Ter338=.
Molecular consequence: synonymous variant.
Genome position (GRCh38, 1-based): chr11:126,345,612, G>A. VCF-style: chr11-126345612-G-A. GRCh37 (hg19) VCF-style: chr11-126215507-G-A.
Other names: c.1034G>A, p.Ter345= (NM_001350236.2).
Identifiers: ClinVar variation 775095 (VCV000775095.30), dbSNP rs139354381, ClinGen allele CA6355217.